The following is an entry in ClinVar:

NM_170606.3(KMT2C):c.8543del (p.Asn2848fs)

Gene: KMT2C (lysine methyltransferase 2C; minus strand). Cytogenetic location: 7q36.1.
Variant type: Deletion.
Coding change: c.8543del on transcript NM_170606.3 (MANE Select); coding-DNA position 8543, one base deleted (A; older notation c.8543delA).
Protein change: p.Asn2848fs; shifts the reading frame from asparagine 2848.
Molecular consequence: frameshift variant.
Genome position (GRCh38, 1-based): chr7:152,176,910, T deleted on the plus strand (A on the coding strand, the reverse complement: KMT2C is on the minus strand); the first of 2 consecutive T bases (chr7:152,176,910-152,176,911); deleting either gives the same sequence. VCF-style (leftmost placement, unchanged base first): chr7-152176909-AT-A. GRCh37 (hg19) VCF-style: chr7-151873994-AT-A.
Other names: c.8543delA (NM_170606.3); short protein forms N2848fs.
Identifiers: ClinVar variation 1033181 (VCV001033181.3), dbSNP rs2093235396, ClinGen allele CA1753033463.
Genomic context (GRCh38, chr7:152,176,909, plus strand): 5'-AGTCTTTTCTCCATCATTTAGGTCTGAGTGAGCAGAAGCCTGTGAGCAAGGAGTGTCAAC[AT>A]TATCTTTATTCTCATCATTTTTTTCAGTTTCACATTTGGATTCCACCTTAGAATTTGGAG-3'

ClinVar aggregate classification (germline): Pathogenic. Review status: criteria provided, multiple submitters, no conflicts (2 of 4 stars). 3 submissions from 2 submitters: Pathogenic (3). Last evaluated 2024-03-11.

Conditions:
Kleefstra syndrome 1 (KLEFS1). Identifiers: Orphanet 261494, MedGen C0795833, MONDO:0027407, OMIM 610253.
KMT2C-related NDD.
Kleefstra syndrome 2 (KLEFS2). Identifiers: MedGen C4540395, MONDO:0054701, OMIM 617768.

Submissions (3):

Baylor Genetics
Classification: Pathogenic for Kleefstra syndrome 2. Last evaluated: 2024-03-11. Review status: criteria provided, single submitter. Criteria: ACMG Guidelines, 2015. Collection method: clinical testing. Allele origin: unknown.

Baylor Genetics
Classification: Pathogenic for Kleefstra syndrome 1. Last evaluated: 2018-04-30. Review status: criteria provided, single submitter. Criteria: ACMG Guidelines, 2015. Collection method: clinical testing. Allele origin: de novo. Affected: yes.
Comment: This variant was determined to be pathogenic according to ACMG Guidelines, 2015 [PMID:25741868].

Laboratory of Genetics, Children's Clinical University Hospital Latvia
Classification: Pathogenic for KMT2C-related NDD. Review status: criteria provided, single submitter. Criteria: ACMG Guidelines, 2015. Collection method: research. Allele origin: de novo. Affected: yes.

Literature cited by the submitters: PubMed 39013459 (cited by Laboratory of Genetics, Children's Clinical University Hospital Latvia).